The following is an entry in ClinVar:

ClinVar aggregate classification (germline): Uncertain significance. Review status: criteria provided, multiple submitters, no conflicts (2 of 4 stars). 2 submissions from 2 submitters: Uncertain significance (2). Last evaluated 2023-12-14.

Conditions:
MHC class II deficiency. Also called: BLS, TYPE II; Bare lymphocyte syndrome 2. Identifiers: Orphanet 572, MedGen C5447452, MONDO:0008855.

Allele frequency attached by ClinVar (database versions not stated): gnomAD exomes below 0.00001.

Submissions (2):

Women's Health and Genetics/Laboratory Corporation of America, LabCorp
Classification: Uncertain significance. Last evaluated: 2023-12-14. Review status: criteria provided, single submitter. Criteria: LabCorp Variant Classification Summary - May 2015. Collection method: clinical testing. Allele origin: germline.
Comment: Variant summary: RFX5 c.1771G>A (p.Gly591Ser) results in a non-conservative amino acid change located in the RFX5, C-terminal domain (IPR029298) of the encoded protein sequence. Four of five in-silico tools predict a damaging effect of the variant on protein function. The variant was absent in 251364 control chromosomes (gnomAD). The available data on variant occurrences in the general population are insufficient to allow any conclusion about variant significance. c.1771G>A has been reported in the literature in at-least one individual affected with early onset inflammatory bowel disease (example: Kelsen_2015). This report does not provide unequivocal conclusions about association of the variant with Bare Lymphocyte Syndrome 2 - RFX5 Related. To our knowledge, no experimental evidence demonstrating an impact on protein function has been reported. The following publication has been ascertained in the context of this evaluation (PMID: 26193622). One submitter has cited clinical-significance assessments for this variant to ClinVar after 2014 and has classified the variant as uncertain significance. Based on the evidence outlined above, the variant was classified as uncertain significance.

Labcorp Genetics (formerly Invitae), Labcorp
Classification: Uncertain significance for MHC class II deficiency. Last evaluated: 2022-02-24. Review status: criteria provided, single submitter. Criteria: Invitae Variant Classification Sherloc (09022015). Collection method: clinical testing. Allele origin: germline.
Comment: This sequence change replaces glycine, which is neutral and non-polar, with serine, which is neutral and polar, at codon 591 of the RFX5 protein (p.Gly591Ser). This variant is not present in population databases (gnomAD no frequency). This missense change has been observed in individual(s) with inflammatory bowel disease (PMID: 26193622). Algorithms developed to predict the effect of missense changes on protein structure and function output the following: SIFT: "Tolerated"; PolyPhen-2: "Benign"; Align-GVGD: "Class C0". The serine amino acid residue is found in multiple mammalian species, which suggests that this missense change does not adversely affect protein function. In summary, the available evidence is currently insufficient to determine the role of this variant in disease. Therefore, it has been classified as a Variant of Uncertain Significance.

Literature cited by the submitters: PubMed 26193622 (cited by Women's Health and Genetics/Laboratory Corporation of America, LabCorp and Labcorp Genetics (formerly Invitae), Labcorp).

NM_001025603.2(RFX5):c.1771G>A (p.Gly591Ser)

Gene: RFX5 (regulatory factor X5; minus strand). Cytogenetic location: 1q21.3.
Variant type: single nucleotide variant.
Coding change: c.1771G>A on transcript NM_001025603.2 (MANE Select); coding-DNA position 1771, G replaced by A.
Protein change: p.Gly591Ser; replaces glycine 591 with serine.
Molecular consequence: missense variant.
Genome position (GRCh38, 1-based): chr1:151,342,266, C>T on the plus strand (G>A on the coding strand, the complement: RFX5 is on the minus strand). VCF-style: chr1-151342266-C-T. GRCh37 (hg19) VCF-style: chr1-151314742-C-T.
Other names: c.1771G>A, p.Gly591Ser (NM_000449.4, NM_001379412.1, NM_001379413.1 and 5 more transcripts); c.1651G>A, p.Gly551Ser (NM_001379419.1, NM_001379420.1); short protein forms G551S, G591S.
Identifiers: ClinVar variation 1420479 (VCV001420479.4), dbSNP rs1650509739, ClinGen allele CA341923457.